The following is an entry in ClinVar:

NM_206933.4(USH2A):c.9495dup (p.Glu3166Ter)

Gene: USH2A (usherin; minus strand). Cytogenetic location: 1q41.
Variant type: Duplication.
Coding change: c.9495dup on transcript NM_206933.4 (MANE Select); coding-DNA position 9495, one base duplicated (T; older notation c.9495dupT).
Protein change: p.Glu3166Ter; replaces glutamic acid 3166 with a stop codon.
Molecular consequence: nonsense.
Genome position (GRCh38, 1-based): chr1:215,817,072, A duplicated on the plus strand (T on the coding strand, the reverse complement: USH2A is on the minus strand). VCF-style (leftmost placement, unchanged base first): chr1-215817071-C-CA. GRCh37 (hg19) VCF-style: chr1-215990413-C-CA.
Other names: short protein forms E3166*.
Identifiers: ClinVar variation 1069778 (VCV001069778.7), dbSNP rs2102796376, ClinGen allele CA2499214469.

ClinVar aggregate classification (germline): Pathogenic (1 of 4 stars; one submission).

Submission:

Labcorp Genetics (formerly Invitae), Labcorp
Classification: Pathogenic. Last evaluated: 2020-05-20. Review status: criteria provided, single submitter. Criteria: Invitae Variant Classification Sherloc (09022015). Collection method: clinical testing. Allele origin: germline.
Comment: For these reasons, this variant has been classified as Pathogenic. Loss-of-function variants in USH2A are known to be pathogenic (PMID: 10729113, 10909849, 20507924, 25649381). This variant has not been reported in the literature in individuals with USH2A-related conditions. This variant is not present in population databases (ExAC no frequency). This sequence change creates a premature translational stop signal (p.Glu3166*) in the USH2A gene. It is expected to result in an absent or disrupted protein product.

Literature cited by the submitters: PubMed 10729113; PubMed 10909849; PubMed 20507924; PubMed 25649381.